The following is an entry in ClinVar:

ClinVar aggregate classification (germline): Uncertain significance. Review status: criteria provided, multiple submitters, no conflicts (2 of 4 stars). 2 submissions from 2 submitters: Uncertain significance (2). Last evaluated 2025-04-02.

Conditions:
Cranioectodermal dysplasia 1 (CED1). Also called: LEVIN SYNDROME I. Identifiers: Orphanet 1515, MedGen C0432235, MONDO:0021093, OMIM 218330.
Inborn genetic diseases. Identifiers: MedGen C0950123, MeSH D030342.

Allele frequency attached by ClinVar (database versions not stated): gnomAD exomes below 0.00001 and 0.00001; ExAC 0.00001.
gnomAD v4.1: 6 of 1,614,024 alleles (0.00037%); highest among the groups gnomAD compares: Admixed American, 0.01%; no homozygotes.

Submissions (2):

Ambry Genetics
Classification: Uncertain significance for Inborn genetic diseases. Last evaluated: 2025-04-02. Review status: criteria provided, single submitter. Criteria: Ambry Variant Classification Scheme 2023. Collection method: clinical testing. Allele origin: germline.

Labcorp Genetics (formerly Invitae), Labcorp
Classification: Uncertain significance for Cranioectodermal dysplasia 1. Last evaluated: 2022-10-18. Review status: criteria provided, single submitter. Criteria: Invitae Variant Classification Sherloc (09022015). Collection method: clinical testing. Allele origin: germline.
Comment: This sequence change replaces isoleucine, which is neutral and non-polar, with valine, which is neutral and non-polar, at codon 1185 of the IFT122 protein (p.Ile1185Val). This variant is present in population databases (rs754333037, gnomAD 0.003%). This variant has not been reported in the literature in individuals affected with IFT122-related conditions. ClinVar contains an entry for this variant (Variation ID: 1460835). Advanced modeling of protein sequence and biophysical properties (such as structural, functional, and spatial information, amino acid conservation, physicochemical variation, residue mobility, and thermodynamic stability) performed at Invitae indicates that this missense variant is not expected to disrupt IFT122 protein function. In summary, the available evidence is currently insufficient to determine the role of this variant in disease. Therefore, it has been classified as a Variant of Uncertain Significance.

NM_052989.3(IFT122):c.3400A>G (p.Ile1134Val)

Gene: IFT122 (intraflagellar transport 122; plus strand). Cytogenetic location: 3q22.1.
Variant type: single nucleotide variant.
Coding change: c.3400A>G on transcript NM_052989.3 (MANE Select); coding-DNA position 3400, A replaced by G.
Protein change: p.Ile1134Val; replaces isoleucine 1134 with valine.
Molecular consequence: missense variant.
Genome position (GRCh38, 1-based): chr3:129,519,115, A>G. VCF-style: chr3-129519115-A-G. GRCh37 (hg19) VCF-style: chr3-129237958-A-G.
Other names: c.3553A>G (NM_052985.2); c.3379A>G, p.Ile1127Val (NM_001280541.2); c.2950A>G, p.Ile984Val (NM_001280545.2); c.2773A>G, p.Ile925Val (NM_001280546.2); c.3223A>G, p.Ile1075Val (NM_018262.4); c.3553A>G, p.Ile1185Val (NM_052985.4); c.3070A>G, p.Ile1024Val (NM_052990.3); short protein forms I1024V, I1134V, I1127V, I1075V, I925V, I984V, I1185V.
Identifiers: ClinVar variation 1460835 (VCV001460835.6), dbSNP rs754333037, ClinGen allele CA2606914.
Genomic context (GRCh38, chr3:129,519,115, plus strand): 5'-GGGTCTGTCTCCATCTCTGCTTCTGATTCCATCCTTGACCAGATCCCTCCAGGCTCCCAG[A>G]TTCTGCGGCTAGTGGAGACCAAGGACTCCATCGGAGATGAGGACCCGTTCACAGCTAAGC-3'
Protein context (NP_443715.1, residues 1124-1144): QLEIANNSSQ[Ile1134Val]LRLVETKDSI